The following is an entry in ClinVar:

ClinVar aggregate classification (germline): Uncertain significance. Review status: criteria provided, multiple submitters, no conflicts (2 of 4 stars). 2 submissions from 2 submitters: Uncertain significance (2). Last evaluated 2023-02-15.

Conditions:
LAMB2-related infantile-onset nephrotic syndrome. Also called: NEPHROTIC SYNDROME, TYPE 5, WITHOUT OCULAR ABNORMALITIES; NEPHROTIC SYNDROME, TYPE 5, WITH OCULAR ABNORMALITIES; Nephrotic Syndrome, type 5. Identifiers: Orphanet 306507, MedGen C3280113, MONDO:0013621, OMIM 614199.
Pierson syndrome. Also called: MICROCORIA-CONGENITAL NEPHROTIC SYNDROME. Identifiers: Orphanet 2670, MedGen C1836876, MONDO:0012184, OMIM 609049.
Inborn genetic diseases. Identifiers: MedGen C0950123, MeSH D030342.

Allele frequency attached by ClinVar (database versions not stated): ExAC 0.00001; gnomAD 0.00001; gnomAD exomes 0.00001; TOPMed 0.00004.
gnomAD v4.1: 9 of 1,613,958 alleles (0.00056%); highest among the groups gnomAD compares: East Asian, 0.0067%; no homozygotes.

Submissions (2):

Ambry Genetics
Classification: Uncertain significance for Inborn genetic diseases. Last evaluated: 2023-02-15. Review status: criteria provided, single submitter. Criteria: Ambry Variant Classification Scheme 2023. Collection method: clinical testing. Allele origin: germline.

Labcorp Genetics (formerly Invitae), Labcorp
Classification: Uncertain significance for LAMB2-related infantile-onset nephrotic syndrome; Pierson syndrome. Last evaluated: 2021-10-24. Review status: criteria provided, single submitter. Criteria: Invitae Variant Classification Sherloc (09022015). Collection method: clinical testing. Allele origin: germline.
Comment: In summary, the available evidence is currently insufficient to determine the role of this variant in disease. Therefore, it has been classified as a Variant of Uncertain Significance. Algorithms developed to predict the effect of sequence changes on RNA splicing suggest that this variant may create or strengthen a splice site. Algorithms developed to predict the effect of missense changes on protein structure and function are either unavailable or do not agree on the potential impact of this missense change (SIFT: "Deleterious"; PolyPhen-2: "Probably Damaging"; Align-GVGD: "Class C15"). This variant has not been reported in the literature in individuals affected with LAMB2-related conditions. This variant is present in population databases (rs776150106, ExAC 0.01%). This sequence change replaces asparagine with aspartic acid at codon 1325 of the LAMB2 protein (p.Asn1325Asp). The asparagine residue is highly conserved and there is a small physicochemical difference between asparagine and aspartic acid.

NM_002292.4(LAMB2):c.3973A>G (p.Asn1325Asp)

Gene: LAMB2 (laminin subunit beta 2; minus strand). Cytogenetic location: 3p21.31.
Variant type: single nucleotide variant.
Coding change: c.3973A>G on transcript NM_002292.4 (MANE Select); coding-DNA position 3973, A replaced by G.
Protein change: p.Asn1325Asp; replaces asparagine 1325 with aspartic acid.
Molecular consequence: missense variant.
Genome position (GRCh38, 1-based): chr3:49,123,456, T>C on the plus strand (A>G on the coding strand, the complement: LAMB2 is on the minus strand). VCF-style: chr3-49123456-T-C. GRCh37 (hg19) VCF-style: chr3-49160889-T-C.
Other names: c.3973A>G (NM_002292.3); short protein forms N1325D.
Identifiers: ClinVar variation 1492456 (VCV001492456.6), dbSNP rs776150106, ClinGen allele CA2393907.
Genomic context (GRCh38, chr3:49,123,456, plus strand): 5'-GTCAGCTGAAGACTGACCCTGGTCCACCTGCCTAGTTGGCTAACAACTCACCCAGGAAGT[T>C]TGAATGTTTGAGCAAGTCAAGATGCTGGTCGAGCTGCCGCAGTGTGAGATTAAGTGCAAG-3'
Protein context (NP_002283.3, residues 1315-1335): DQHLDLLKHS[Asn1325Asp]FLGAYDSIRH